The following is an entry in ClinVar:

NM_001727.2(BRS3):c.816G>A (p.Thr272=)

Gene: BRS3 (bombesin receptor subtype 3; plus strand). Cytogenetic location: Xq26.3.
Variant type: single nucleotide variant.
Coding change: c.816G>A on transcript NM_001727.2 (MANE Select); coding-DNA position 816, G replaced by A.
Protein change: p.Thr272=; no amino-acid change (threonine 272 retained).
Molecular consequence: synonymous variant.
Genome position (GRCh38, 1-based): chrX:136,491,991, G>A. VCF-style: chrX-136491991-G-A. GRCh37 (hg19) VCF-style: chrX-135574150-G-A.
Identifiers: ClinVar variation 2661519 (VCV002661519.24), dbSNP rs763358515, ClinGen allele CA10527501.

ClinVar aggregate classification (germline): Likely benign (1 of 4 stars; one submission).

Allele frequency attached by ClinVar (database versions not stated): gnomAD exomes 0.00001; ExAC 0.00002; gnomAD 0.00002.

Submission:

CeGaT Center for Human Genetics Tuebingen
Classification: Likely benign. Last evaluated: 2022-04-01. Review status: criteria provided, single submitter. Criteria: CeGaT Center For Human Genetics Tuebingen Variant Classification Criteria Version 2. Collection method: clinical testing. Allele origin: germline. Affected: yes. Observed: 1 variant allele.
Comment: BRS3: BP4, BP7